The following is an entry in ClinVar:

ClinVar aggregate classification (germline): Likely pathogenic (1 of 4 stars; one submission).

Conditions:
Muscular dystrophy-dystroglycanopathy (congenital with brain and eye anomalies), type A3. Also called: Muscular dystrophy-dystroglycanopathy (congenital with brain and eye anomalies), type A, 3; Congenital muscular dystrophy-dystroglycanopathy with brain and eye anomalies, type A3; WALKER-WARBURG SYNDROME OR MUSCLE-EYE-BRAIN DISEASE, POMGNT1-RELATED. Identifiers: MedGen C3151519, MONDO:0009667, OMIM 253280.

Submission:

Myriad Genetics, Inc.
Classification: Likely pathogenic for Muscular dystrophy-dystroglycanopathy (congenital with brain and eye anomalies), type A3. Last evaluated: 2022-03-30. Review status: criteria provided, single submitter. Criteria: Myriad Women's Health Autosomal Recessive and X-Linked Classification Criteria (2021). Collection method: clinical testing. Allele origin: unknown.
Comment: NM_017739.3(POMGNT1):c.732delG(P245Hfs*2) is expected to be pathogenic in the context of POMGNT-related disorders. This variant is predicted to lead to an abnormal or absent protein product due to the creation of a premature termination codon in POMGNT1, a gene where loss-of-function variants are known to be pathogenic. Please note: this variant was assessed in the context of healthy population screening.

NM_017739.4(POMGNT1):c.732del (p.Pro245fs)

Genes: POMGNT1 (protein O-linked mannose N-acetylglucosaminyltransferase 1 (beta 1,2-); minus strand), TSPAN1 (tetraspanin 1; plus strand). Cytogenetic location: 1p34.1.
Variant type: Deletion.
Coding change: c.732del on transcript NM_017739.4 (MANE Select); coding-DNA position 732, one base deleted (G; older notation c.732delG).
Protein change: p.Pro245fs; shifts the reading frame from proline 245.
Molecular consequence: frameshift variant.
Genome position (GRCh38, 1-based): chr1:46,194,572, C deleted on the plus strand (G on the coding strand, the reverse complement: POMGNT1 is on the minus strand). VCF-style (leftmost placement, unchanged base first): chr1-46194571-GC-G. GRCh37 (hg19) VCF-style: chr1-46660243-GC-G.
Other names: c.732del, p.Pro245fs (NM_001243766.2, NM_001410783.1); c.666delG, p.Pro223Hisfs (NM_001290129.3); c.303del, p.Pro102fs (NM_001290130.2); short protein forms P102fs, P223fs, P245fs.
Identifiers: ClinVar variation 1725652 (VCV001725652.2), dbSNP rs2525428064, ClinGen allele CA2580062977.